The following is an entry in ClinVar:

NM_000143.4(FH):c.248G>T (p.Gly83Val)

Gene: FH (fumarate hydratase; minus strand). Cytogenetic location: 1q43.
Variant type: single nucleotide variant.
Coding change: c.248G>T on transcript NM_000143.4 (MANE Select); coding-DNA position 248, G replaced by T.
Protein change: p.Gly83Val; replaces glycine 83 with valine.
Molecular consequence: missense variant.
Genome position (GRCh38, 1-based): chr1:241,517,201, C>A on the plus strand (G>T on the coding strand, the complement: FH is on the minus strand). VCF-style: chr1-241517201-C-A. GRCh37 (hg19) VCF-style: chr1-241680501-C-A.
Other names: short protein forms G83V.
Identifiers: ClinVar variation 5021743 (VCV005021743.1).

ClinVar aggregate classification (germline): Uncertain significance (1 of 4 stars; one submission).

Conditions:
Hereditary cancer-predisposing syndrome. Also called: Neoplastic Syndromes, Hereditary; Tumor predisposition; Hereditary neoplastic syndrome; Hereditary Cancer Syndrome. Identifiers: Orphanet 140162, MedGen C0027672, MeSH D009386, MONDO:0015356.

Submission:

Ambry Genetics
Classification: Uncertain significance for Hereditary cancer-predisposing syndrome. Last evaluated: 2026-07-07. Review status: criteria provided, single submitter. Criteria: Ambry Variant Classification Scheme 2023. Collection method: clinical testing. Allele origin: germline.
Comment: The p.G83V variant (also known as c.248G>T), located in coding exon 2 of the FH gene, results from a G to T substitution at nucleotide position 248. The glycine at codon 83 is replaced by valine, an amino acid with dissimilar properties. This amino acid position is conserved. In addition, this alteration is predicted to be deleterious by in silico analysis. Based on the available evidence, the clinical significance of this variant remains unclear.